The following is an entry in ClinVar:

ClinVar aggregate classification (germline): Uncertain significance (1 of 4 stars; one submission).

Conditions:
ALMS1-related disorder. Also called: ALMS1-related condition.

Submission:

PreventionGenetics, part of Exact Sciences
Classification: Uncertain significance for ALMS1-related condition. Last evaluated: 2026-03-23. Review status: criteria provided, single submitter. Criteria: ACMG Guidelines, 2015. Collection method: clinical testing. Allele origin: germline.
Comment: The ALMS1 c.10690A>T variant is predicted to result in the amino acid substitution p.Ser3564Cys. To our knowledge, this variant has not been reported in the literature. This variant is reported in 0.00089% of alleles in individuals of European (Non-Finnish) descent in gnomAD. At this time, the clinical significance of this variant is uncertain due to the absence of conclusive functional and genetic evidence.

NM_001378454.1(ALMS1):c.10687A>T (p.Thr3563Ser)

Gene: ALMS1 (ALMS1 centrosome and basal body associated protein; plus strand). Cytogenetic location: 2p13.1.
Variant type: single nucleotide variant.
Coding change: c.10687A>T on transcript NM_001378454.1 (MANE Select); coding-DNA position 10687, A replaced by T.
Protein change: p.Thr3563Ser; replaces threonine 3563 with serine.
Molecular consequence: missense variant.
Genome position (GRCh38, 1-based): chr2:73,572,564, A>T. VCF-style: chr2-73572564-A-T. GRCh37 (hg19) VCF-style: chr2-73799691-A-T.
Other names: c.10690A>T, p.Thr3564Ser (NM_015120.4); short protein forms T3563S, T3564S.
Identifiers: ClinVar variation 4978342 (VCV004978342.1).